The following is an entry in ClinVar:

ClinVar aggregate classification (germline): Uncertain significance (1 of 4 stars; one submission).

Allele frequency attached by ClinVar (database versions not stated): gnomAD exomes below 0.00001; gnomAD 0.00001.
gnomAD v4.1: 5 of 1,551,618 alleles (0.00032%); highest among the groups gnomAD compares: African/African-American, 0.0014%; no homozygotes.

Submission:

Labcorp Genetics (formerly Invitae), Labcorp
Classification: Uncertain significance. Last evaluated: 2019-01-08. Review status: criteria provided, single submitter. Criteria: Invitae Variant Classification Sherloc (09022015). Collection method: clinical testing. Allele origin: germline.
Comment: This variant has not been reported in the literature in individuals with KPNA7-related conditions. This variant is not present in population databases (ExAC no frequency). This sequence change creates a premature translational stop signal (p.Tyr233*) in the KPNA7 gene. It is expected to result in an absent or disrupted protein product. The current clinical and genetic evidence is not sufficient to establish whether loss-of-function variants in KPNA7 cause disease. In summary, the available evidence is currently insufficient to determine the role of this variant in disease. Therefore, it has been classified as a Variant of Uncertain Significance.

NM_001145715.3(KPNA7):c.699C>A (p.Tyr233Ter)

Gene: KPNA7 (karyopherin subunit alpha 7; minus strand). Cytogenetic location: 7q22.1.
Variant type: single nucleotide variant.
Coding change: c.699C>A on transcript NM_001145715.3 (MANE Select); coding-DNA position 699, C replaced by A.
Protein change: p.Tyr233Ter; replaces tyrosine 233 with a stop codon.
Molecular consequence: nonsense.
Genome position (GRCh38, 1-based): chr7:99,188,501, G>T on the plus strand (C>A on the coding strand, the complement: KPNA7 is on the minus strand). VCF-style: chr7-99188501-G-T. GRCh37 (hg19) VCF-style: chr7-98786124-G-T.
Other names: short protein forms Y233*.
Identifiers: ClinVar variation 844046 (VCV000844046.7), dbSNP rs1305598939, ClinGen allele CA368419982.
Genomic context (GRCh38, chr7:99,188,501, plus strand): 5'-CTGGTGCTGCAGGAGGTGAAGGAGGGCCGGCAGTATCTGCTTCACCGCAGTGTCGCAAGG[G>T]TATGGGTTCTTGTTTCGGCACAGATTCGACAAGGTCCACGTGATGTTCCGCAGAAATGTG-3'